The following is an entry in ClinVar:

NM_001385641.1(SAMD11):c.2423C>A (p.Thr808Lys)

Gene: SAMD11 (sterile alpha motif domain containing 11; plus strand). Cytogenetic location: 1p36.33.
Variant type: single nucleotide variant.
Coding change: c.2423C>A on transcript NM_001385641.1 (MANE Select); coding-DNA position 2423, C replaced by A.
Protein change: p.Thr808Lys; replaces threonine 808 with lysine.
Molecular consequence: missense variant.
Genome position (GRCh38, 1-based): chr1:944,041, C>A. VCF-style: chr1-944041-C-A. GRCh37 (hg19) VCF-style: chr1-879421-C-A.
Other names: c.2426C>A, p.Thr809Lys (NM_001385640.1); c.1934C>A, p.Thr645Lys (NM_152486.4); short protein forms T645K, T808K, T809K.
Identifiers: ClinVar variation 1011598 (VCV001011598.8), dbSNP rs199998341, ClinGen allele CA16728539.

ClinVar aggregate classification (germline): Uncertain significance (1 of 4 stars; one submission).

gnomAD v4.1: 2 of 1,612,824 alleles (0.00012%); highest among the groups gnomAD compares: Non-Finnish European, 0.00017%; no homozygotes.

Submission:

Labcorp Genetics (formerly Invitae), Labcorp
Classification: Uncertain significance. Last evaluated: 2020-03-24. Review status: criteria provided, single submitter. Criteria: Invitae Variant Classification Sherloc (09022015). Collection method: clinical testing. Allele origin: germline.
Comment: In summary, the available evidence is currently insufficient to determine the role of this variant in disease. Therefore, it has been classified as a Variant of Uncertain Significance. Algorithms developed to predict the effect of missense changes on protein structure and function (SIFT, PolyPhen-2, Align-GVGD) all suggest that this variant is likely to be tolerated, but these predictions have not been confirmed by published functional studies and their clinical significance is uncertain. This variant has not been reported in the literature in individuals with SAMD11-related conditions. This variant is not present in population databases (ExAC no frequency). This sequence change replaces threonine with lysine at codon 645 of the SAMD11 protein (p.Thr645Lys). The threonine residue is weakly conserved and there is a moderate physicochemical difference between threonine and lysine.